The following is an entry in ClinVar:

NM_024675.4(PALB2):c.43G>T (p.Glu15Ter)

Gene: PALB2 (partner and localizer of BRCA2; minus strand). Cytogenetic location: 16p12.2.
Variant type: single nucleotide variant.
Coding change: c.43G>T on transcript NM_024675.4 (MANE Select); coding-DNA position 43, G replaced by T.
Protein change: p.Glu15Ter; replaces glutamic acid 15 with a stop codon.
Molecular consequence: nonsense.
Genome position (GRCh38, 1-based): chr16:23,641,115, C>A on the plus strand (G>T on the coding strand, the complement: PALB2 is on the minus strand). VCF-style: chr16-23641115-C-A. GRCh37 (hg19) VCF-style: chr16-23652436-C-A.
Other names: p.E15*:GAA>TAA; short protein forms E15*.
Identifiers: ClinVar variation 182762 (VCV000182762.23), dbSNP rs730881884, ClinGen allele CA299713.

ClinVar aggregate classification (germline): Pathogenic. Review status: criteria provided, multiple submitters, no conflicts (2 of 4 stars). 8 submissions from 8 submitters: Pathogenic (8). Last evaluated 2025-10-16.

Conditions:
Breast-ovarian cancer, familial, susceptibility to, 5 (BROVCA5). Identifiers: MedGen C5830615, MONDO:0957530, OMIM 620442.
Hereditary cancer-predisposing syndrome. Also called: Hereditary Cancer Syndrome; Neoplastic Syndromes, Hereditary; Tumor predisposition; Hereditary neoplastic syndrome. Identifiers: Orphanet 140162, MedGen C0027672, MeSH D009386, MONDO:0015356.
Familial cancer of breast. Also called: BREAST CANCER, FAMILIAL; hereditary breast carcinoma; Hereditary breast cancer. Identifiers: Orphanet 227535, MedGen C0346153, MONDO:0016419, OMIM 114480. Disease mechanism: loss of function.

Submissions (8):

Dasa
Classification: Pathogenic for Breast-ovarian cancer, familial, susceptibility to, 5. Last evaluated: 2025-10-16. Review status: criteria provided, single submitter. Criteria: DASA Assertion Criteria. Collection method: clinical testing. Allele origin: germline.
Comment: NM_024675.4(PALB2):c.43G>T (p.Glu15Ter) introduces a premature termination codon predicted to result in loss of normal protein function. Loss-of-function is an established mechanism of disease for this gene. The affected residue or protein region has prior evidence supporting clinical relevance. This variant has been recurrently observed in individuals with Breast-ovarian cancer, familial, susceptibility to, 5 (PMID: 28194609; PMID: 33007869; PMID: 34522520; PMID: 37461096). The variant is present at low frequency in population datasets. Based on the available data, this variant is classified as pathogenic.

Labcorp Genetics (formerly Invitae), Labcorp
Classification: Pathogenic for Familial cancer of breast. Last evaluated: 2024-02-23. Review status: criteria provided, single submitter. Criteria: Invitae Variant Classification Sherloc (09022015). Collection method: clinical testing. Allele origin: germline.
Comment: This sequence change creates a premature translational stop signal (p.Glu15*) in the PALB2 gene. It is expected to result in an absent or disrupted protein product. Loss-of-function variants in PALB2 are known to be pathogenic (PMID: 17200668, 17200671, 17200672, 24136930, 25099575). This variant is not present in population databases (gnomAD no frequency). This premature translational stop signal has been observed in individual(s) with breast cancer (PMID: 28194609). ClinVar contains an entry for this variant (Variation ID: 182762). For these reasons, this variant has been classified as Pathogenic.

Myriad Genetics, Inc.
Classification: Pathogenic for Familial cancer of breast. Last evaluated: 2023-09-05. Review status: criteria provided, single submitter. Criteria: Myriad Autosomal Dominant, Autosomal Recessive and X-Linked Classification Criteria (2023). Collection method: clinical testing. Allele origin: unknown.
Comment: This variant is considered pathogenic. This variant creates a termination codon and is predicted to result in premature protein truncation.

Ambry Genetics
Classification: Pathogenic for Hereditary cancer-predisposing syndrome. Last evaluated: 2023-03-03. Review status: criteria provided, single submitter. Criteria: Ambry Variant Classification Scheme 2023. Collection method: clinical testing. Allele origin: germline.
Comment: The p.E15* pathogenic mutation (also known as c.43G>T), located in coding exon 1 of the PALB2 gene, results from a G to T substitution at nucleotide position 43. This changes the amino acid from a glutamic acid to a stop codon within coding exon 1. This mutation has been previously reported in an individual with early onset breast cancer (Lerner-Ellis J et al. Breast Cancer Res. Treat., 2017 04;162:591-596). This variant is considered to be rare based on population cohorts in the Genome Aggregation Database (gnomAD). In addition to the clinical data presented in the literature, this alteration is expected to result in loss of function by premature protein truncation or nonsense-mediated mRNA decay. As such, this alteration is interpreted as a disease-causing mutation.

Color Diagnostics, LLC DBA Color Health
Classification: Pathogenic for Hereditary cancer-predisposing syndrome. Last evaluated: 2021-06-03. Review status: criteria provided, single submitter. Criteria: ACMG Guidelines, 2015. Collection method: clinical testing. Allele origin: germline.
Comment: This variant changes 1 nucleotide in exon 1 of the PALB2 gene, creating a premature translation stop signal. This variant is expected to result in an absent or non-functional protein product. This variant has been reported in an individual affected with early-onset breast cancer (PMID: 28194609). This variant has not been identified in the general population by the Genome Aggregation Database (gnomAD). Loss of PALB2 function is a known mechanism of disease. Based on the available evidence, this variant is classified as Pathogenic.

Mendelics
Classification: Pathogenic for Hereditary cancer-predisposing syndrome. Last evaluated: 2018-07-02. Review status: criteria provided, single submitter. Criteria: Mendelics Assertion Criteria 2017. Collection method: clinical testing. Allele origin: unknown.

GeneDx
Classification: Pathogenic. Last evaluated: 2014-10-02. Review status: criteria provided, single submitter. Criteria: GeneDx Variant Classification (06012015). Collection method: clinical testing. Allele origin: germline. Affected: yes.
Comment: This pathogenic variant is denoted PALB2 c.43G>T at the cDNA level and p.Glu15Ter (E15X) at the protein level. The substitution creates a nonsense variant, which changes a Glutamic Acid to a premature stop codon (GAA>TAA), and is predicted to cause loss of normal protein function through either protein truncation or nonsense-mediated mRNA decay. Although this variant has not, to our knowledge, been reported in the literature, it is considered pathogenic.

Genesis Genomics
Classification: Pathogenic for Breast-ovarian cancer, familial, susceptibility to, 5. Review status: criteria provided, single submitter. Criteria: ACMG Guidelines, 2015. Collection method: clinical testing. Allele origin: germline. Affected: yes. Observed: 3 variant alleles. Clinical features observed: Breast cancer.

Literature cited by the submitters: PubMed 28194609 (cited by 3 submitters); PubMed 33007869 (cited by Dasa); PubMed 34522520 (cited by Dasa); PubMed 37461096 (cited by Dasa); PubMed 17200668 (cited by Labcorp Genetics (formerly Invitae), Labcorp); PubMed 17200671 (cited by Labcorp Genetics (formerly Invitae), Labcorp); PubMed 17200672 (cited by Labcorp Genetics (formerly Invitae), Labcorp); PubMed 24136930 (cited by Labcorp Genetics (formerly Invitae), Labcorp); PubMed 25099575 (cited by Labcorp Genetics (formerly Invitae), Labcorp).